The following is an entry in ClinVar:

NM_014956.5(CEP164):c.381C>T (p.Pro127=)

Gene: CEP164 (centrosomal protein 164; plus strand). Cytogenetic location: 11q23.3.
Variant type: single nucleotide variant.
Coding change: c.381C>T on transcript NM_014956.5 (MANE Select); coding-DNA position 381, C replaced by T.
Protein change: p.Pro127=; no amino-acid change (proline 127 retained).
Molecular consequence: synonymous variant.
Genome position (GRCh38, 1-based): chr11:117,351,976, C>T. VCF-style: chr11-117351976-C-T. GRCh37 (hg19) VCF-style: chr11-117222692-C-T.
Other names: c.381C>T, p.Pro127= (NM_001271933.2); c.381C>T (NM_014956.4).
Identifiers: ClinVar variation 2180280 (VCV002180280.5), dbSNP rs375951540, ClinGen allele CA6294417.

ClinVar aggregate classification (germline): Likely benign. Review status: criteria provided, multiple submitters, no conflicts (2 of 4 stars). 2 submissions from 2 submitters: Likely benign (2). Last evaluated 2025-08-03.

Conditions:
Nephronophthisis 15 (NPHP15). Identifiers: Orphanet 3156, MedGen C3541853, MONDO:0013917, OMIM 614845.
CEP164-related disorder. Also called: CEP164-related condition.

Allele frequency attached by ClinVar (database versions not stated): ESP Exome Variant Server 0.00015; 1000 Genomes Project 30x 0.00031; 1000 Genomes Project 0.00040.
gnomAD v4.1: 21 of 1,578,506 alleles (0.0013%); highest among the groups gnomAD compares: African/African-American, 0.018%; no homozygotes.

Submissions (2):

Labcorp Genetics (formerly Invitae), Labcorp
Classification: Likely benign for Nephronophthisis 15. Last evaluated: 2025-08-03. Review status: criteria provided, single submitter. Criteria: Invitae Variant Classification Sherloc (09022015). Collection method: clinical testing. Allele origin: germline.

PreventionGenetics, part of Exact Sciences
Classification: Likely benign for CEP164-related condition. Last evaluated: 2025-05-13. Review status: criteria provided, single submitter. Criteria: ACMG Guidelines, 2015. Collection method: clinical testing. Allele origin: germline.
Comment: This variant is classified as likely benign based on ACMG/AMP sequence variant interpretation guidelines (Richards et al. 2015 PMID: 25741868, with internal and published modifications).